The following is an entry in ClinVar:

NM_000135.4(FANCA):c.871A>G (p.Thr291Ala)

Gene: FANCA (FA complementation group A; minus strand). Cytogenetic location: 16q24.3.
Variant type: single nucleotide variant.
Coding change: c.871A>G on transcript NM_000135.4 (MANE Select); coding-DNA position 871, A replaced by G.
Protein change: p.Thr291Ala; replaces threonine 291 with alanine.
Molecular consequence: missense variant.
Genome position (GRCh38, 1-based): chr16:89,799,188, T>C on the plus strand (A>G on the coding strand, the complement: FANCA is on the minus strand). VCF-style: chr16-89799188-T-C. GRCh37 (hg19) VCF-style: chr16-89865596-T-C.
Other names: c.871A>G, p.Thr291Ala (NM_001018112.3, NM_001286167.3); c.775A>G, p.Thr259Ala (NM_001351830.2); short protein forms T291A, T259A.
Identifiers: ClinVar variation 2041216 (VCV002041216.5), dbSNP rs745962628, ClinGen allele CA8252714.
Genomic context (GRCh38, chr16:89,799,188, plus strand): 5'-CTGCTGCACACTCAGGCAGGCCACCCTCAGGAACATACCAGCACCTCACGATCTTGTGAG[T>C]GGAGGACTCCTCCTGTACTCCAGCAGCCAAAGCGTCAAGTGCAACTGAAGACAGAGCCAG-3'
Protein context (NP_000126.2, residues 281-301): LAAGVQEESS[Thr291Ala]HKIVRCWFGV

ClinVar aggregate classification (germline): Uncertain significance. Review status: criteria provided, multiple submitters, no conflicts (2 of 4 stars). 3 submissions from 3 submitters: Uncertain significance (2). 1 of the submissions does not count toward it. Last evaluated 2024-12-02.

Conditions:
Fanconi anemia (FA). Also called: Fanconi's anemia. Identifiers: Orphanet 84, MedGen C0015625, MeSH D005199, MONDO:0019391.
Fanconi anemia complementation group A (FANCA). Also called: Fanconi anemia, group A; FANCA-Related Fanconi Anemia. Identifiers: Orphanet 84, MedGen C3469521, MONDO:0009215, OMIM 227650.
FANCA-related disorder. Also called: FANCA-related condition.

Allele frequency attached by ClinVar (database versions not stated): TOPMed below 0.00001; ExAC 0.00001; gnomAD exomes 0.00001.
gnomAD v4.1: 15 of 1,614,106 alleles (0.00093%); highest among the groups gnomAD compares: East Asian, 0.0022%; no homozygotes.

Submissions (3):

Labcorp Genetics (formerly Invitae), Labcorp
Classification: Uncertain significance for Fanconi anemia. Last evaluated: 2024-12-02. Review status: criteria provided, single submitter. Criteria: Invitae Variant Classification Sherloc (09022015). Collection method: clinical testing. Allele origin: germline.
Comment: This sequence change replaces threonine, which is neutral and polar, with alanine, which is neutral and non-polar, at codon 291 of the FANCA protein (p.Thr291Ala). This variant is present in population databases (rs745962628, gnomAD 0.002%). This variant has not been reported in the literature in individuals affected with FANCA-related conditions. ClinVar contains an entry for this variant (Variation ID: 2041216). Invitae Evidence Modeling of protein sequence and biophysical properties (such as structural, functional, and spatial information, amino acid conservation, physicochemical variation, residue mobility, and thermodynamic stability) indicates that this missense variant is not expected to disrupt FANCA protein function with a negative predictive value of 95%. In summary, the available evidence is currently insufficient to determine the role of this variant in disease. Therefore, it has been classified as a Variant of Uncertain Significance.

Fulgent Genetics
Classification: Uncertain significance for Fanconi anemia complementation group A. Last evaluated: 2024-01-02. Review status: criteria provided, single submitter. Criteria: ACMG Guidelines, 2015. Collection method: clinical testing. Allele origin: germline.

PreventionGenetics, part of Exact Sciences
Classification: Uncertain significance for FANCA-related condition. Last evaluated: 2023-11-08. Review status: no assertion criteria provided. Collection method: clinical testing. Allele origin: germline. Not counted in ClinVar's aggregate classification.
Comment: The FANCA c.871A>G variant is predicted to result in the amino acid substitution p.Thr291Ala. To our knowledge, this variant has not been reported in the literature. This variant is reported in 0.0018% of alleles in individuals of European (Non-Finnish) descent in gnomAD. At this time, the clinical significance of this variant is uncertain due to the absence of conclusive functional and genetic evidence.